The following is an entry in ClinVar:

NM_007294.4(BRCA1):c.3804T>G (p.Asn1268Lys)

Genes: BRCA1 (BRCA1 DNA repair associated; minus strand), LOC126862571 (BRD4-independent group 4 enhancer GRCh37_chr17:41243136-41244335; plus strand). Cytogenetic location: 17q21.31.
Variant type: single nucleotide variant.
Coding change: c.3804T>G on transcript NM_007294.4 (MANE Select); coding-DNA position 3804, T replaced by G.
Protein change: p.Asn1268Lys; replaces asparagine 1268 with lysine.
Molecular consequence: missense variant. On other transcripts: intron variant (135).
Genome position (GRCh38, 1-based): chr17:43,091,727, A>C on the plus strand (T>G on the coding strand, the complement: BRCA1 is on the minus strand). VCF-style: chr17-43091727-A-C. GRCh37 (hg19) VCF-style: chr17-41243744-A-C.
Other names: c.3663T>G, p.Asn1221Lys (NM_001407727.1, NM_001407728.1, NM_001407729.1 and 29 more transcripts); c.3660T>G, p.Asn1220Lys (NM_001407740.1, NM_001407741.1, NM_001407742.1 and 20 more transcripts); c.3591T>G, p.Asn1197Lys (NM_001407853.1, NM_001407894.1, NM_001407895.1 and 9 more transcripts); c.3804T>G, p.Asn1268Lys (NM_001407854.1, NM_001407858.1, NM_001407859.1 and 30 more transcripts); c.3801T>G, p.Asn1267Lys (NM_001407860.1, NM_001407861.1, NM_001407587.1 and 22 more transcripts); c.3603T>G, p.Asn1201Lys (NM_001407862.1); c.3681T>G, p.Asn1227Lys (NM_001407863.1, NM_001407919.1, NM_001407937.1 and 19 more transcripts); c.3600T>G, p.Asn1200Lys (NM_001407874.1, NM_001407875.1); and 41 more; short protein forms N1268K, N1221K, N1140K, N1267K, N1157K, N1198K, N1227K, N1241K.
Identifiers: ClinVar variation 186549 (VCV000186549.8), dbSNP rs140588714, ClinGen allele CA002452.

ClinVar aggregate classification (germline): Conflicting classifications of pathogenicity. Review status: criteria provided, conflicting classifications (1 of 4 stars). 2 submissions from 2 submitters: Uncertain significance (1); Likely benign (1). Last evaluated 2023-03-23.

Conditions:
Hereditary cancer-predisposing syndrome. Also called: Neoplastic Syndromes, Hereditary; Tumor predisposition; Hereditary Cancer Syndrome; Hereditary neoplastic syndrome. Identifiers: Orphanet 140162, MedGen C0027672, MeSH D009386, MONDO:0015356.

Submissions (2):

University of Washington Department of Laboratory Medicine, University of Washington
Classification: Likely benign for Hereditary cancer-predisposing syndrome. Last evaluated: 2023-03-23. Review status: criteria provided, single submitter. Criteria: Dines et al. (Genet Med. 2020). Collection method: curation. Allele origin: germline.
Comment: Missense variant in a coldspot region where missense variants are very unlikely to be pathogenic (PMID:31911673).

BRCA1 coldspot (exon 11 using historical exon numbering). Reclassification based on statistical prior probability

Ambry Genetics
Classification: Uncertain significance for Hereditary cancer-predisposing syndrome. Last evaluated: 2014-10-03. Review status: criteria provided, single submitter. Criteria: Ambry Variant Classification Scheme 2023. Collection method: clinical testing. Allele origin: germline.
Comment: The p.N1268K variant (also known as c.3804T>G or 3923T>G), located in coding exon 9 of the BRCA1 gene, results from a T to G substitution at nucleotide position 3804. The asparagine at codon 1268 is replaced by lysine, an amino acid with similar properties. This variant was not reported in population based cohorts in the following databases: Database of Single Nucleotide Polymorphisms (dbSNP), NHLBI Exome Sequencing Project (ESP), and 1000 Genomes Project. In the ESP, this variant was not observed in 6503 samples (13006 alleles) with coverage at this position. To date, this alteration has been detected with an allele frequency of approximately 0.002% (greater than 64000 alleles tested) in our clinical cohort. This amino acid position is not well conserved in available vertebrate species. In addition, this alteration is predicted to be benign and deleterious by PolyPhen and SIFT in silico analyses, respectively. Since supporting evidence is limited at this time, the clinical significance of p.N1268K remains unclear.